The following is an entry in ClinVar:

ClinVar aggregate classification (germline): Uncertain significance (1 of 4 stars; one submission).

Allele frequency attached by ClinVar (database versions not stated): gnomAD exomes 0.00001; TOPMed 0.00005; gnomAD 0.00011.
gnomAD v4.1: 22 of 1,610,190 alleles (0.0014%); highest among the groups gnomAD compares: Admixed American, 0.037%; no homozygotes.

Submission:

Labcorp Genetics (formerly Invitae), Labcorp
Classification: Uncertain significance. Last evaluated: 2022-04-22. Review status: criteria provided, single submitter. Criteria: Invitae Variant Classification Sherloc (09022015). Collection method: clinical testing. Allele origin: germline.
Comment: This sequence change replaces cysteine, which is neutral and slightly polar, with tyrosine, which is neutral and polar, at codon 100 of the CFAP410 protein (p.Cys100Tyr). This variant is present in population databases (no rsID available, gnomAD 0.02%). This variant has not been reported in the literature in individuals affected with CFAP410-related conditions. Algorithms developed to predict the effect of missense changes on protein structure and function are either unavailable or do not agree on the potential impact of this missense change (SIFT: "Deleterious"; PolyPhen-2: "Probably Damaging"; Align-GVGD: "Class C0"). In summary, the available evidence is currently insufficient to determine the role of this variant in disease. Therefore, it has been classified as a Variant of Uncertain Significance.

NM_004928.3(CFAP410):c.299G>A (p.Cys100Tyr)

Gene: CFAP410 (cilia and flagella associated protein 410; minus strand). Cytogenetic location: 21q22.3.
Variant type: single nucleotide variant.
Coding change: c.299G>A on transcript NM_004928.3 (MANE Select); coding-DNA position 299, G replaced by A.
Protein change: p.Cys100Tyr; replaces cysteine 100 with tyrosine.
Molecular consequence: missense variant.
Genome position (GRCh38, 1-based): chr21:44,333,107, C>T on the plus strand (G>A on the coding strand, the complement: CFAP410 is on the minus strand). VCF-style: chr21-44333107-C-T. GRCh37 (hg19) VCF-style: chr21-45752990-C-T.
Other names: c.299G>A, p.Cys100Tyr (NM_001271440.2, NM_001271441.2); c.176G>A, p.Cys59Tyr (NM_001271442.1); short protein forms C100Y, C59Y.
Identifiers: ClinVar variation 2129376 (VCV002129376.4), dbSNP rs1466500162, ClinGen allele CA410456504.